The following is an entry in ClinVar:

NM_005068.3(SIM1):c.*6T>C

Gene: SIM1 (SIM bHLH transcription factor 1; minus strand). Cytogenetic location: 6q16.3.
Variant type: single nucleotide variant.
Coding change: c.*6T>C on transcript NM_005068.3 (MANE Select); 6 bases downstream of the stop codon, T replaced by C.
Molecular consequence: 3 prime UTR variant.
Genome position (GRCh38, 1-based): chr6:100,390,355, A>G on the plus strand (T>C on the coding strand, the complement: SIM1 is on the minus strand). VCF-style: chr6-100390355-A-G. GRCh37 (hg19) VCF-style: chr6-100838231-A-G.
Other names: c.*6T>C (NM_001374769.1).
Identifiers: ClinVar variation 3353310 (VCV003353310.1).

ClinVar aggregate classification (germline): Likely benign (0 of 4 stars; one submission).

Conditions:
SIM1-related disorder. Also called: SIM1-related condition; SIM1-related disorders.

gnomAD v4.1: 8 of 1,607,156 alleles (0.0005%); highest among the groups gnomAD compares: Non-Finnish European, 0.00051%; no homozygotes.

Submission:

PreventionGenetics, part of Exact Sciences
Classification: Likely benign for SIM1-related condition. Last evaluated: 2022-05-12. Review status: no assertion criteria provided. Collection method: clinical testing. Allele origin: germline.
Comment: This variant is classified as likely benign based on ACMG/AMP sequence variant interpretation guidelines (Richards et al. 2015 PMID: 25741868, with internal and published modifications).